The following is an entry in ClinVar:

NM_020435.4(GJC2):c.147C>T (p.Asp49=)

Gene: GJC2 (gap junction protein gamma 2; plus strand). Cytogenetic location: 1q42.13.
Variant type: single nucleotide variant.
Coding change: c.147C>T on transcript NM_020435.4 (MANE Select); coding-DNA position 147, C replaced by T.
Protein change: p.Asp49=; no amino-acid change (aspartic acid 49 retained).
Molecular consequence: synonymous variant.
Genome position (GRCh38, 1-based): chr1:228,157,905, C>T. VCF-style: chr1-228157905-C-T. GRCh37 (hg19) VCF-style: chr1-228345606-C-T.
Identifiers: ClinVar variation 261256 (VCV000261256.17), dbSNP rs139992251, ClinGen allele CA1430807.
Genomic context (GRCh38, chr1:228,157,905, plus strand): 5'-GGTGCTGGTGGTCTTCCGCATCGTGCTGACGGCTGTGGGCGGCGAGGCCATCTACTCGGA[C>T]GAGCAGGCCAAGTTCACTTGCAACACGCGGCAGCCAGGCTGCGACAACGTCTGCTATGAC-3'
Protein context (NP_065168.2, residues 39-59): TAVGGEAIYS[Asp49=]EQAKFTCNTR

ClinVar aggregate classification (germline): Benign/Likely benign. Review status: criteria provided, multiple submitters, no conflicts (2 of 4 stars). 4 submissions from 4 submitters: Benign (1); Likely benign (3). Last evaluated 2026-04-01.

Conditions:
Spastic paraplegia. Identifiers: MedGen C0037772, HP:0001258.

Allele frequency attached by ClinVar (database versions not stated): ESP Exome Variant Server 0.00046; gnomAD 0.00071 and 0.00095; gnomAD exomes 0.00071 and 0.00183; TOPMed 0.00104; ExAC 0.00208; 1000 Genomes Project 0.00339; 1000 Genomes Project 30x 0.00390.
gnomAD v4.1: 1,198 of 1,612,666 alleles (0.074%); highest among the groups gnomAD compares: East Asian, 1.2%; 12 homozygotes.

Submissions (4):

CeGaT Center for Human Genetics Tuebingen
Classification: Likely benign. Last evaluated: 2026-04-01. Review status: criteria provided, single submitter. Criteria: CeGaT Center For Human Genetics Tuebingen Variant Classification Criteria Version 2. Collection method: clinical testing. Allele origin: germline. Affected: yes. Observed: 2 variant alleles.
Comment: GJC2: BP4, BP7, BS1

Labcorp Genetics (formerly Invitae), Labcorp
Classification: Benign for Spastic paraplegia. Last evaluated: 2026-01-05. Review status: criteria provided, single submitter. Criteria: Invitae Variant Classification Sherloc (09022015). Collection method: clinical testing. Allele origin: germline.

Blueprint Genetics
Classification: Likely benign. Last evaluated: 2024-11-04. Review status: criteria provided, single submitter. Criteria: ACMG Guidelines, 2015. Collection method: clinical testing. Allele origin: germline.

PreventionGenetics, part of Exact Sciences
Classification: Likely benign. Review status: criteria provided, single submitter. Criteria: ACMG Guidelines, 2015. Collection method: clinical testing. Allele origin: germline.